The following is an entry in ClinVar:

ClinVar aggregate classification (germline): Likely benign (1 of 4 stars; one submission).

Conditions:
PEX16-related disorder. Also called: PEX16-related condition.

gnomAD v4.1: 4 of 1,613,618 alleles (0.00025%); highest among the groups gnomAD compares: Middle Eastern, 0.067%; no homozygotes.

Submission:

PreventionGenetics, part of Exact Sciences
Classification: Likely benign for PEX16-related condition. Last evaluated: 2026-04-26. Review status: criteria provided, single submitter. Criteria: ACMG Guidelines, 2015. Collection method: clinical testing. Allele origin: germline.
Comment: This variant is classified as likely benign based on ACMG/AMP sequence variant interpretation guidelines (Richards et al. 2015 PMID: 25741868, with internal and published modifications).

NM_004813.4(PEX16):c.*1C>G

Gene: PEX16 (peroxisomal biogenesis factor 16; minus strand). Cytogenetic location: 11p11.2.
Variant type: single nucleotide variant.
Coding change: c.*1C>G on transcript NM_004813.4 (MANE Select); 1 bases downstream of the stop codon, C replaced by G.
Molecular consequence: 3 prime UTR variant. On other transcripts: intron variant (1).
Genome position (GRCh38, 1-based): chr11:45,910,253, G>C on the plus strand (C>G on the coding strand, the complement: PEX16 is on the minus strand). VCF-style: chr11-45910253-G-C. GRCh37 (hg19) VCF-style: chr11-45931804-G-C.
Other names: c.953-76C>G (NM_057174.3).
Identifiers: ClinVar variation 4980643 (VCV004980643.1).